The following is an entry in ClinVar:

NM_002168.4(IDH2):c.439G>C (p.Val147Leu)

Gene: IDH2 (isocitrate dehydrogenase (NADP(+)) 2; minus strand). Cytogenetic location: 15q26.1.
Variant type: single nucleotide variant.
Coding change: c.439G>C on transcript NM_002168.4 (MANE Select); coding-DNA position 439, G replaced by C.
Protein change: p.Val147Leu; replaces valine 147 with leucine.
Molecular consequence: missense variant.
Genome position (GRCh38, 1-based): chr15:90,088,682, C>G on the plus strand (G>C on the coding strand, the complement: IDH2 is on the minus strand). VCF-style: chr15-90088682-C-G. GRCh37 (hg19) VCF-style: chr15-90631914-C-G.
Other names: c.283G>C, p.Val95Leu (NM_001289910.1); c.49G>C, p.Val17Leu (NM_001290114.2); short protein forms V147L, V17L, V95L.
Identifiers: ClinVar variation 3233774 (VCV003233774.2), dbSNP rs746624696, ClinGen allele CA7733180.

ClinVar aggregate classification (germline): Uncertain significance (1 of 4 stars; one submission).

Allele frequency attached by ClinVar (database versions not stated): ExAC 0.00001.

Submission:

Women's Health and Genetics/Laboratory Corporation of America, LabCorp
Classification: Uncertain significance. Last evaluated: 2024-03-25. Review status: criteria provided, single submitter. Criteria: LabCorp Variant Classification Summary - May 2015. Collection method: clinical testing. Allele origin: germline.
Comment: Variant summary: IDH2 c.439G>C (p.Val147Leu) results in a conservative amino acid change located in the Isopropylmalate dehydrogenase-like domainn (IPR024084) of the encoded protein sequence. Four of five in-silico tools predict a damaging effect of the variant on protein function. The variant allele was found at a frequency of 1.2e-05 in 251496 control chromosomes. The available data on variant occurrences in the general population are insufficient to allow any conclusion about variant significance. To our knowledge, no occurrence of c.439G>C in individuals affected with D-2-hydroxyglutaric aciduria 2 and no experimental evidence demonstrating its impact on protein function have been reported. No submitters have cited clinical-significance assessments for this variant to ClinVar. Based on the evidence outlined above, the variant was classified as uncertain significance.